The following is an entry in ClinVar:

ClinVar aggregate classification (germline): Uncertain significance (1 of 4 stars; one submission).

Submission:

Labcorp Genetics (formerly Invitae), Labcorp
Classification: Uncertain significance. Last evaluated: 2022-01-20. Review status: criteria provided, single submitter. Criteria: Invitae Variant Classification Sherloc (09022015). Collection method: clinical testing. Allele origin: germline.
Comment: In summary, the available evidence is currently insufficient to determine the role of this variant in disease. Therefore, it has been classified as a Variant of Uncertain Significance. Algorithms developed to predict the effect of missense changes on protein structure and function are either unavailable or do not agree on the potential impact of this missense change (SIFT: "Deleterious"; PolyPhen-2: "Not Available"; Align-GVGD: "Class C0"). This variant has not been reported in the literature in individuals affected with PTPN23-related conditions. This variant is not present in population databases (gnomAD no frequency). This sequence change replaces leucine, which is neutral and non-polar, with proline, which is neutral and non-polar, at codon 1624 of the PTPN23 protein (p.Leu1624Pro).

NM_015466.4(PTPN23):c.4871T>C (p.Leu1624Pro)

Gene: PTPN23 (protein tyrosine phosphatase non-receptor type 23; plus strand). Cytogenetic location: 3p21.31.
Variant type: single nucleotide variant.
Coding change: c.4871T>C on transcript NM_015466.4 (MANE Select); coding-DNA position 4871, T replaced by C.
Protein change: p.Leu1624Pro; replaces leucine 1624 with proline.
Molecular consequence: missense variant.
Genome position (GRCh38, 1-based): chr3:47,413,145, T>C. VCF-style: chr3-47413145-T-C. GRCh37 (hg19) VCF-style: chr3-47454635-T-C.
Other names: c.4493T>C, p.Leu1498Pro (NM_001304482.2); short protein forms L1498P, L1624P.
Identifiers: ClinVar variation 2087350 (VCV002087350.4), dbSNP rs2546262302, ClinGen allele CA352569452.